The following is an entry in ClinVar:

NM_000136.3(FANCC):c.1368G>C (p.Met456Ile)

Genes: FANCC (FA complementation group C; minus strand), AOPEP (aminopeptidase O (putative); plus strand). Cytogenetic location: 9q22.32.
Variant type: single nucleotide variant.
Coding change: c.1368G>C on transcript NM_000136.3 (MANE Select); coding-DNA position 1368, G replaced by C.
Protein change: p.Met456Ile; replaces methionine 456 with isoleucine.
Molecular consequence: missense variant.
Genome position (GRCh38, 1-based): chr9:95,107,231, C>G on the plus strand (G>C on the coding strand, the complement: FANCC is on the minus strand). VCF-style: chr9-95107231-C-G. GRCh37 (hg19) VCF-style: chr9-97869513-C-G.
Other names: c.1368G>C, p.Met456Ile (NM_001243743.2); short protein forms M456I.
Identifiers: ClinVar variation 3512806 (VCV003512806.1).

ClinVar aggregate classification (germline): Uncertain significance (1 of 4 stars; one submission).

Conditions:
Hereditary cancer-predisposing syndrome. Also called: Tumor predisposition; Neoplastic Syndromes, Hereditary; Hereditary Cancer Syndrome; Hereditary neoplastic syndrome. Identifiers: Orphanet 140162, MedGen C0027672, MeSH D009386, MONDO:0015356.

Submission:

Ambry Genetics
Classification: Uncertain significance for Hereditary cancer-predisposing syndrome. Last evaluated: 2024-11-24. Review status: criteria provided, single submitter. Criteria: Ambry Variant Classification Scheme 2023. Collection method: clinical testing. Allele origin: germline.
Comment: The p.M456I variant (also known as c.1368G>C), located in coding exon 13 of the FANCC gene, results from a G to C substitution at nucleotide position 1368. The methionine at codon 456 is replaced by isoleucine, an amino acid with highly similar properties. This amino acid position is conserved. In addition, this alteration is predicted to be tolerated by in silico analysis. Based on the available evidence, the clinical significance of this variant remains unclear.